The following is an entry in ClinVar:

ClinVar aggregate classification (germline): Uncertain significance (1 of 4 stars; one submission).

gnomAD v4.1: 3 of 1,541,842 alleles (0.00019%); highest among the groups gnomAD compares: South Asian, 0.0012%; no homozygotes.

Submission:

Labcorp Genetics (formerly Invitae), Labcorp
Classification: Uncertain significance. Last evaluated: 2025-05-11. Review status: criteria provided, single submitter. Criteria: Invitae Variant Classification Sherloc (09022015). Collection method: clinical testing. Allele origin: germline.
Comment: This sequence change replaces glutamic acid, which is acidic and polar, with lysine, which is basic and polar, at codon 189 of the WNT3A protein (p.Glu189Lys). This variant is not present in population databases (gnomAD no frequency). This variant has not been reported in the literature in individuals affected with WNT3A-related conditions. Invitae Evidence Modeling of protein sequence and biophysical properties (such as structural, functional, and spatial information, amino acid conservation, physicochemical variation, residue mobility, and thermodynamic stability) indicates that this missense variant is not expected to disrupt WNT3A protein function with a negative predictive value of 80%. In summary, the available evidence is currently insufficient to determine the role of this variant in disease. Therefore, it has been classified as a Variant of Uncertain Significance.

NM_033131.4(WNT3A):c.565G>A (p.Glu189Lys)

Gene: WNT3A (Wnt family member 3A; plus strand). Cytogenetic location: 1q42.13.
Variant type: single nucleotide variant.
Coding change: c.565G>A on transcript NM_033131.4 (MANE Select); coding-DNA position 565, G replaced by A.
Protein change: p.Glu189Lys; replaces glutamic acid 189 with lysine.
Molecular consequence: missense variant.
Genome position (GRCh38, 1-based): chr1:228,050,907, G>A. VCF-style: chr1-228050907-G-A. GRCh37 (hg19) VCF-style: chr1-228238608-G-A.
Other names: short protein forms E189K.
Identifiers: ClinVar variation 4707092 (VCV004707092.1).
Genomic context (GRCh38, chr1:228,050,907, plus strand): 5'-TTCGCCGACGCCCGGGAGAACCGGCCAGATGCCCGCTCAGCCATGAACCGCCACAACAAC[G>A]AGGCTGGGCGCCAGGTAGGTTCGCCGCCCGCAAGGGTGCTTGGGAAAAAGGAGCCTCCTC-3'
Protein context (NP_149122.1, residues 179-199): ARSAMNRHNN[Glu189Lys]AGRQAIASHM